The following is an entry in ClinVar:

ClinVar aggregate classification (germline): Likely benign. Review status: criteria provided, multiple submitters, no conflicts (2 of 4 stars). 2 submissions from 2 submitters: Likely benign (2). Last evaluated 2025-11-10.

Conditions:
Perlman syndrome (PRLMNS). Identifiers: Orphanet 2849, MedGen C0796113, MONDO:0009965, OMIM 267000.
DIS3L2-related disorder. Also called: DIS3L2-related condition.

Allele frequency attached by ClinVar (database versions not stated): gnomAD exomes below 0.00001.
gnomAD v4.1: 5 of 1,611,172 alleles (0.00031%); highest among the groups gnomAD compares: Middle Eastern, 0.016%; no homozygotes.

Submissions (2):

PreventionGenetics, part of Exact Sciences
Classification: Likely benign for DIS3L2-related condition. Last evaluated: 2025-11-10. Review status: criteria provided, single submitter. Criteria: ACMG Guidelines, 2015. Collection method: clinical testing. Allele origin: germline.
Comment: This variant is classified as likely benign based on ACMG/AMP sequence variant interpretation guidelines (Richards et al. 2015 PMID: 25741868, with internal and published modifications).

Labcorp Genetics (formerly Invitae), Labcorp
Classification: Likely benign for Perlman syndrome. Last evaluated: 2025-05-12. Review status: criteria provided, single submitter. Criteria: Invitae Variant Classification Sherloc (09022015). Collection method: clinical testing. Allele origin: germline.

NM_152383.5(DIS3L2):c.2004C>T (p.Pro668=)

Gene: DIS3L2 (DIS3 like 3'-5' exoribonuclease 2; plus strand). Cytogenetic location: 2q37.1.
Variant type: single nucleotide variant.
Coding change: c.2004C>T on transcript NM_152383.5 (MANE Select); coding-DNA position 2004, C replaced by T.
Protein change: p.Pro668=; no amino-acid change (proline 668 retained).
Molecular consequence: synonymous variant. On other transcripts: non-coding transcript variant (2), intron variant (1).
Genome position (GRCh38, 1-based): chr2:232,330,770, C>T. VCF-style: chr2-232330770-C-T. GRCh37 (hg19) VCF-style: chr2-233195480-C-T.
Other names: c.1582-12575C>T (NM_001257281.2).
Identifiers: ClinVar variation 700811 (VCV000700811.11), dbSNP rs1559216843, ClinGen allele CA431778352.
Genomic context (GRCh38, chr2:232,330,770, plus strand): 5'-TGGAGATGACAAGTACTCACTGGCCCGCAAGGAGGTGCTCACCAACATGTGCTCCCGGCC[C>T]ATGCAGGTAAGGAGGGCCCAGCCCCGGCCTCCCCTGCTCCCAGGAGCACACTAGCCCCAG-3'
Protein context (NP_689596.4, residues 658-678): KEVLTNMCSR[Pro668=]MQMALYFCSG